The following is an entry in ClinVar:

NM_000096.4(CP):c.2878+7C>A

Gene: CP (ceruloplasmin; minus strand). Cytogenetic location: 3q24.
Variant type: single nucleotide variant.
Coding change: c.2878+7C>A on transcript NM_000096.4 (MANE Select); 7 bases into the intron after coding-DNA position 2878, C replaced by A.
Molecular consequence: intron variant.
Genome position (GRCh38, 1-based): chr3:149,178,408, G>T on the plus strand (C>A on the coding strand, the complement: CP is on the minus strand). VCF-style: chr3-149178408-G-T. GRCh37 (hg19) VCF-style: chr3-148896195-G-T.
Identifiers: ClinVar variation 707535 (VCV000707535.11), dbSNP rs371031293, ClinGen allele CA2660627.

ClinVar aggregate classification (germline): Likely benign. Review status: criteria provided, single submitter (1 of 4 stars). 2 submissions from 2 submitters: Likely benign (1). 1 of the submissions does not count toward it. Last evaluated 2026-01-24.

Conditions:
CP-related disorder. Also called: CP-related condition.
Deficiency of ferroxidase (ACEP). Also called: Deficiency of ceruloplasmin; Ceruloplasmin deficiency; Familial apoceruloplasmin deficiency; Hereditary ceruloplasmin deficiency; Aceruloplasminemia; NEURODEGENERATION WITH BRAIN IRON ACCUMULATION 10. Identifiers: Orphanet 48818, MedGen C0878682, MONDO:0011426, OMIM 604290, HP:0025498.

Allele frequency attached by ClinVar (database versions not stated): gnomAD exomes 0.00004 and 0.00012; gnomAD 0.00055 and 0.00052; 1000 Genomes Project 30x 0.00078; ESP Exome Variant Server 0.00046; 1000 Genomes Project 0.00080; ExAC 0.00015; TOPMed 0.00060.
gnomAD v4.1: 135 of 1,552,596 alleles (0.0087%); highest among the groups gnomAD compares: African/African-American, 0.15%; no homozygotes.

Submissions (2):

Labcorp Genetics (formerly Invitae), Labcorp
Classification: Likely benign for Deficiency of ferroxidase. Last evaluated: 2026-01-24. Review status: criteria provided, single submitter. Criteria: Invitae Variant Classification Sherloc (09022015). Collection method: clinical testing. Allele origin: germline.

PreventionGenetics, part of Exact Sciences
Classification: Likely benign for CP-related condition. Last evaluated: 2019-03-18. Review status: no assertion criteria provided. Collection method: clinical testing. Allele origin: germline. Not counted in ClinVar's aggregate classification.
Comment: This variant is classified as likely benign based on ACMG/AMP sequence variant interpretation guidelines (Richards et al. 2015 PMID: 25741868, with internal and published modifications).